The following is an entry in ClinVar:

ClinVar aggregate classification (germline): Uncertain significance (1 of 4 stars; one submission).

Conditions:
Hereditary cancer-predisposing syndrome. Also called: Hereditary Cancer Syndrome; Hereditary neoplastic syndrome; Neoplastic Syndromes, Hereditary; Tumor predisposition. Identifiers: Orphanet 140162, MedGen C0027672, MeSH D009386, MONDO:0015356.

Submission:

Ambry Genetics
Classification: Uncertain significance for Hereditary cancer-predisposing syndrome. Last evaluated: 2025-08-08. Review status: criteria provided, single submitter. Criteria: Ambry Variant Classification Scheme 2023. Collection method: clinical testing. Allele origin: germline.
Comment: The p.M48I variant (also known as c.144G>A), located in coding exon 1 of the FANCC gene, results from a G to A substitution at nucleotide position 144. The methionine at codon 48 is replaced by isoleucine, an amino acid with highly similar properties. This amino acid position is conserved. In addition, this alteration is predicted to be tolerated by in silico analysis. Based on the available evidence, the clinical significance of this variant remains unclear.

NM_000136.3(FANCC):c.144G>A (p.Met48Ile)

Gene: FANCC (FA complementation group C; minus strand). Cytogenetic location: 9q22.32.
Variant type: single nucleotide variant.
Coding change: c.144G>A on transcript NM_000136.3 (MANE Select); coding-DNA position 144, G replaced by A.
Protein change: p.Met48Ile; replaces methionine 48 with isoleucine.
Molecular consequence: missense variant.
Genome position (GRCh38, 1-based): chr9:95,249,148, C>T on the plus strand (G>A on the coding strand, the complement: FANCC is on the minus strand). VCF-style: chr9-95249148-C-T. GRCh37 (hg19) VCF-style: chr9-98011430-C-T.
Other names: c.144G>A, p.Met48Ile (NM_001243743.2, NM_001243744.2); short protein forms M48I.
Identifiers: ClinVar variation 4254370 (VCV004254370.1).